The following is an entry in ClinVar:

NM_206933.4(USH2A):c.1663C>G (p.Leu555Val)

Gene: USH2A (usherin; minus strand). Cytogenetic location: 1q41.
Variant type: single nucleotide variant.
Coding change: c.1663C>G on transcript NM_206933.4 (MANE Select); coding-DNA position 1663, C replaced by G.
Protein change: p.Leu555Val; replaces leucine 555 with valine.
Molecular consequence: missense variant.
Genome position (GRCh38, 1-based): chr1:216,292,352, G>C on the plus strand (C>G on the coding strand, the complement: USH2A is on the minus strand). VCF-style: chr1-216292352-G-C. GRCh37 (hg19) VCF-style: chr1-216465694-G-C.
Other names: USH2A; c.1663C>G, p.Leu555Val (NM_007123.6); short protein forms L555V.
Identifiers: ClinVar variation 48472 (VCV000048472.79), dbSNP rs35818432, ClinGen allele CA143415.

ClinVar aggregate classification (germline): Conflicting classifications of pathogenicity. Review status: criteria provided, conflicting classifications (1 of 4 stars). 19 submissions from 18 submitters: Pathogenic (1); Uncertain significance (5); Benign (2); Likely benign (6). 5 of the submissions do not count toward it. Last evaluated 2026-09-01.

Conditions:
USH2A-related disorder. Also called: USH2A-related disorders; USH2A-related condition. Identifiers: MedGen CN239332.
Retinitis pigmentosa (RP). Identifiers: Orphanet 791, MedGen C0035334, MeSH D012174, MONDO:0019200, OMIM 268000. Inheritance: Autosomal dominant, autosomal recessive and X linked inheritance.
Usher syndrome type 2A. Also called: RETINAL DISEASE IN USHER SYNDROME TYPE IIA, MODIFIER OF; USHER SYNDROME, TYPE IIA. Identifiers: Orphanet 231178, Orphanet 886, MedGen C1848634, MONDO:0010169, OMIM 276901.
Retinitis pigmentosa 39 (RP39). Identifiers: Orphanet 791, MedGen C3151138, MONDO:0013436, OMIM 613809.

Allele frequency attached by ClinVar (database versions not stated): gnomAD 0.00085 and 0.00080; gnomAD exomes 0.00096 and 0.00129; TOPMed 0.00097; 1000 Genomes Project 0.00100; 1000 Genomes Project 30x 0.00109; ExAC 0.00130; ESP Exome Variant Server 0.00146.
gnomAD v4.1: 1,568 of 1,613,940 alleles (0.097%); highest among the groups gnomAD compares: Middle Eastern, 0.91%; 3 homozygotes.

Submissions (19):

CeGaT Center for Human Genetics Tuebingen
Classification: Likely benign. Last evaluated: 2026-09-01. Review status: criteria provided, single submitter. Criteria: CeGaT Center For Human Genetics Tuebingen Variant Classification Criteria Version 2. Collection method: clinical testing. Allele origin: germline. Affected: yes. Observed: 14 variant alleles.
Comment: USH2A: BP4, BS2

Labcorp Genetics (formerly Invitae), Labcorp
Classification: Likely benign. Last evaluated: 2026-01-31. Review status: criteria provided, single submitter. Criteria: Invitae Variant Classification Sherloc (09022015). Collection method: clinical testing. Allele origin: germline.

PreventionGenetics, part of Exact Sciences
Classification: Likely benign for USH2A-related condition. Last evaluated: 2025-10-17. Review status: criteria provided, single submitter. Criteria: ACMG Guidelines, 2015. Collection method: clinical testing. Allele origin: germline.
Comment: This variant is classified as likely benign based on ACMG/AMP sequence variant interpretation guidelines (Richards et al. 2015 PMID: 25741868, with internal and published modifications).

Women's Health and Genetics/Laboratory Corporation of America, LabCorp
Classification: Benign. Last evaluated: 2025-02-19. Review status: criteria provided, single submitter. Criteria: LabCorp Variant Classification Summary - May 2015. Collection method: clinical testing. Allele origin: germline.
Comment: Variant summary: USH2A c.1663C>G (p.Leu555Val) results in a conservative amino acid change located in the Laminin-type EGF domain (IPR002049) of the encoded protein sequence. Four of five in-silico tools predict a damaging effect of the variant on protein function. The variant allele was found at a frequency of 0.0013 in 251082 control chromosomes in the gnomAD database, including 2 homozygotes. Additionally, a further homozygous individual was observed in gnomAD v4 and this variant is approaching MPAF (0.01) in the Middle Eastern subpopulation (0.009, 55 alleles). However,this frequency is not significantly higher than estimated for a pathogenic variant in USH2A causing Usher Syndrome (0.0013 vs 0.011), allowing no conclusion about variant significance. c.1663C>G has been reported in the multiply compound heterozygous state in the literature in numerous individuals affected with Usher Syndrome who have alternate pathogenic alleles which explain disease (example, Jaijo_2010, Vozzi_2011, as well as further studies PMID: 25558175, 12525556). These co-occurrences indicate that this variant is not likely to be responsible for the USH2A-related conditions in these individuals. At least one publication reports experimental evidence evaluating an impact on protein function, indicating no pathogenic effect (example, Bhattacharya_2003). The following publications have been ascertained in the context of this evaluation (PMID: 29068140, 30245029, 14676276, 21569298, 34781295, 19683999, 36460718, 11311042, 25262649, 21738395). ClinVar contains an entry for this variant (Variation ID: 48472). Based on the evidence outlined above, the variant was classified as benign.

Blueprint Genetics
Classification: Likely benign. Last evaluated: 2024-11-01. Review status: criteria provided, single submitter. Criteria: ACMG Guidelines, 2015. Collection method: clinical testing. Allele origin: germline.

Revvity Omics, Revvity
Classification: Uncertain significance. Last evaluated: 2022-11-17. Review status: criteria provided, single submitter. Criteria: ACMG Guidelines, 2015. Collection method: clinical testing. Allele origin: germline.

Genome-Nilou Lab
Classification: Uncertain significance for Usher syndrome type 2A. Last evaluated: 2021-05-18. Review status: criteria provided, single submitter. Criteria: ACMG Guidelines, 2015. Collection method: clinical testing. Allele origin: germline. Affected: no.

Ocular Genomics Institute, Massachusetts Eye and Ear
Classification: Uncertain significance for Retinitis pigmentosa 39. Last evaluated: 2021-04-08. Review status: criteria provided, single submitter. Criteria: ACMG Guidelines, 2015. Collection method: research. Allele origin: germline. Affected: yes.
Comment: Through a review of available evidence we were able to apply the following criteria: PM2, PP3, BP2. Based on this evidence we have classified this variant as Variant of Uncertain Significance.

Laboratory for Molecular Medicine, Mass General Brigham Personalized Medicine
Classification: Likely benign. Last evaluated: 2017-05-02. Review status: criteria provided, single submitter. Criteria: LMM Criteria. Collection method: clinical testing. Allele origin: germline. Observed: 11 variant alleles.
Comment: p.Leu555Val in exon 10 of USH2A: This variant is not expected to have clinical s ignificance because it has been identified 0.2% (24/10136) of Ashkenazi Jewish c hromosomes and in 0.2% (212/126366) of European chromosomes including 1 homozygo te by the Genome Aggregation Database (gnomAD; dbSNP rs35818432). It has been reported in cis with another pathogenic variant in USH2A (Jaijo 2009, Vozzi 2011). A study has shown that the variant does not i mpact protein function (Bhattacharya 2004).

Illumina Laboratory Services, Illumina
Classification: Uncertain significance for Usher syndrome type 2A. Last evaluated: 2017-04-27. Review status: criteria provided, single submitter. Criteria: ICSL Variant Classification Criteria 13 December 2019. Collection method: clinical testing. Allele origin: germline.
Comment: This variant was observed as part of a predisposition screen in an ostensibly healthy population. A literature search was performed for the gene, cDNA change, and amino acid change (where applicable). Publications were found based on this search. However, the evidence from the literature, in combination with allele frequency data from public databases where available, was not sufficient to rule this variant in or out of causing disease. Therefore, this variant is classified as a variant of unknown significance.

Illumina Laboratory Services, Illumina
Classification: Uncertain significance for Retinitis pigmentosa. Last evaluated: 2017-04-27. Review status: criteria provided, single submitter. Criteria: ICSL Variant Classification Criteria 13 December 2019. Collection method: clinical testing. Allele origin: germline.
Comment: the same text as in the submission from Illumina Laboratory Services, Illumina above.

Eurofins Ntd Llc (ga)
Classification: Likely benign. Last evaluated: 2016-05-10. Review status: criteria provided, single submitter. Criteria: EGL Classification Definitions 2015. Collection method: clinical testing. Allele origin: germline. Observed: 1 variant allele, 1 heterozygote.

GeneDx
Classification: Benign. Last evaluated: 2015-03-03. Review status: criteria provided, single submitter. Criteria: GeneDx Variant Classification Process June 2021. Collection method: clinical testing. Allele origin: germline. Affected: yes.
Comment: This variant is associated with the following publications: (PMID: 25262649, 22995991, 14676276, 22004887, 21228398, 11311042, 27884173, 21569298, 29068140, 30245029, 31456290, 32707200)

Laboratory of Prof. Karen Avraham, Tel Aviv University
Classification: Pathogenic for Usher syndrome type 2A. Last evaluated: 2014-12-24. Review status: criteria provided, single submitter. Criteria: ACMG Guidelines, 2015. Collection method: research. Allele origin: germline. Inheritance: Autosomal recessive inheritance. Affected: yes. Observed: 1 variant allele.
Comment: The c.1663C>G:p.(Leu555Val) variant, a founder in the Jewish population, was reported as pathogenic in at least 3 papers (PMID:11311042; 12525556; 19683999).

Natera, Inc.
Classification: Likely benign for Usher syndrome type 2A. Last evaluated: 2020-01-11. Review status: no assertion criteria provided. Collection method: clinical testing. Allele origin: germline. Not counted in ClinVar's aggregate classification.

Clinical Genetics DNA and cytogenetics Diagnostics Lab, Erasmus MC, Erasmus Medical Center
Classification: Likely benign. Review status: no assertion criteria provided. Collection method: clinical testing. Allele origin: germline. Affected: yes. Study: VKGL Data-share Consensus. Not counted in ClinVar's aggregate classification.

Clinical Genetics, Academic Medical Center
Classification: Likely benign. Review status: no assertion criteria provided. Collection method: clinical testing. Allele origin: germline. Affected: yes. Study: VKGL Data-share Consensus. Not counted in ClinVar's aggregate classification.

Joint Genome Diagnostic Labs from Nijmegen and Maastricht, Radboudumc and MUMC+
Classification: Likely benign. Review status: no assertion criteria provided. Collection method: clinical testing. Allele origin: germline. Affected: yes. Study: VKGL Data-share Consensus. Not counted in ClinVar's aggregate classification.

Sharon lab, Hadassah-Hebrew University Medical Center
Classification: Likely pathogenic for Retinitis pigmentosa. Last evaluated: 2019-06-23. Review status: flagged submission. Collection method: research. Allele origin: inherited. Affected: yes. Not counted in ClinVar's aggregate classification.
ClinVar note: Reason: Outlier claim with insufficient supporting evidence

Literature cited by the submitters: PubMed 25262649 (cited by Women's Health and Genetics/Laboratory Corporation of America, LabCorp and Ocular Genomics Institute, Massachusetts Eye and Ear); PubMed 21569298 (cited by 3 submitters); PubMed 19683999 (cited by 3 submitters); PubMed 30245029 (cited by Women's Health and Genetics/Laboratory Corporation of America, LabCorp and Ocular Genomics Institute, Massachusetts Eye and Ear); PubMed 29068140 (cited by Women's Health and Genetics/Laboratory Corporation of America, LabCorp and Ocular Genomics Institute, Massachusetts Eye and Ear); PubMed 21738395 (cited by 4 submitters); PubMed 11311042 (cited by 5 submitters); PubMed 34781295 (cited by Women's Health and Genetics/Laboratory Corporation of America, LabCorp); PubMed 36460718 (cited by Women's Health and Genetics/Laboratory Corporation of America, LabCorp); PubMed 14676276 (cited by 3 submitters); PubMed 12525556 (cited by 4 submitters); PubMed 22004887 (cited by Ocular Genomics Institute, Massachusetts Eye and Ear and Illumina Laboratory Services, Illumina); PubMed 21228398 (cited by Laboratory for Molecular Medicine, Mass General Brigham Personalized Medicine).